The following is an entry in ClinVar:

ClinVar aggregate classification (germline): Benign. Review status: criteria provided, multiple submitters, no conflicts (2 of 4 stars). 11 submissions from 10 submitters: Benign (10). 1 of the submissions does not count toward it. Last evaluated 2026-02-04.

Conditions:
Isolated cryptophthalmia. Also called: ANKYLOBLEPHARON, SIMPLE; Cryptophthalmos, unilateral or bilateral, isolated. Identifiers: Orphanet 91396, MedGen C1852453, MONDO:0007410, OMIM 123570.
Fraser syndrome 1 (FRASRS1). Also called: CRYPTOPHTHALMOS WITH OTHER MALFORMATIONS. Identifiers: Orphanet 2052, MedGen C4551480, MONDO:0054737, OMIM 219000.
Fraser syndrome 2 (FRASRS2). Identifiers: MedGen C4540036, MONDO:0054738, OMIM 617666.

Allele frequency attached by ClinVar (database versions not stated): ESP Exome Variant Server 0.99977; TOPMed 0.99988; gnomAD 0.99992 and 0.99993; ExAC 0.99997; gnomAD exomes 0.99997 and 0.99999; 1000 Genomes Project 1.00000; 1000 Genomes Project 30x 1.00000.
gnomAD v4.1: 1,597,804 of 1,597,828 alleles (100%); highest among the groups gnomAD compares: Non-Finnish European, 100%; 798,890 homozygotes.

Submissions (11):

Labcorp Genetics (formerly Invitae), Labcorp
Classification: Benign. Last evaluated: 2026-02-04. Review status: criteria provided, single submitter. Criteria: Invitae Variant Classification Sherloc (09022015). Collection method: clinical testing. Allele origin: germline.

Mayo Clinic Laboratories, Mayo Clinic
Classification: Benign. Last evaluated: 2025-08-18. Review status: criteria provided, single submitter. Criteria: ACMG Guidelines, 2015. Collection method: clinical testing. Allele origin: germline. Observed: 76 variant alleles.
Comment: BP4, BP7

Blueprint Genetics
Classification: Benign. Last evaluated: 2024-11-27. Review status: criteria provided, single submitter. Criteria: ACMG Guidelines, 2015. Collection method: clinical testing. Allele origin: germline.

Genome-Nilou Lab
Classification: Benign for Isolated cryptophthalmia. Last evaluated: 2021-08-10. Review status: criteria provided, single submitter. Criteria: ACMG Guidelines, 2015. Collection method: clinical testing. Allele origin: germline. Affected: no.

Genome-Nilou Lab
Classification: Benign for Fraser syndrome 2. Last evaluated: 2021-08-10. Review status: criteria provided, single submitter. Criteria: ACMG Guidelines, 2015. Collection method: clinical testing. Allele origin: germline. Affected: no.

GeneDx
Classification: Benign. Last evaluated: 2019-09-10. Review status: criteria provided, single submitter. Criteria: GeneDx Variant Classification Process June 2021. Collection method: clinical testing. Allele origin: germline. Affected: yes.

Illumina Laboratory Services, Illumina
Classification: Benign for Fraser syndrome 2. Last evaluated: 2018-01-12. Review status: criteria provided, single submitter. Criteria: ICSL Variant Classification Criteria 13 December 2019. Collection method: clinical testing. Allele origin: germline.
Comment: This variant was observed in the ICSL laboratory as part of a predisposition screen in an ostensibly healthy population. It had not been previously curated by ICSL or reported in the Human Gene Mutation Database (HGMD: prior to June 1st, 2018), and was therefore a candidate for classification through an automated scoring system. Utilizing variant allele frequency, disease prevalence and penetrance estimates, and inheritance mode, an automated score was calculated to assess if this variant is too frequent to cause the disease. Based on the score and internal cut-off values, a variant classified as benign is not then subjected to further curation. The score for this variant resulted in a classification of benign for this disease.

Genome Diagnostics Laboratory, University Medical Center Utrecht
Classification: Benign for Fraser syndrome 1. Last evaluated: 2014-10-10. Review status: criteria provided, single submitter. Criteria: ACGS Guidelines, 2013. Collection method: clinical testing. Allele origin: germline. Affected: yes. Study: VKGL Data-share Consensus.

Breakthrough Genomics
Classification: Benign. Review status: criteria provided, single submitter. Criteria: ACMG Guidelines, 2015. Collection method: not provided. Allele origin: germline. Inheritance: Autosomal recessive inheritance. Affected: yes.

PreventionGenetics, part of Exact Sciences
Classification: Benign. Review status: criteria provided, single submitter. Criteria: ACMG Guidelines, 2015. Collection method: clinical testing. Allele origin: germline.

Diagnostic Laboratory, Department of Genetics, University Medical Center Groningen
Classification: Benign for Fraser syndrome 1. Review status: no assertion criteria provided. Collection method: clinical testing. Allele origin: germline. Affected: yes. Study: VKGL Data-share Consensus. Not counted in ClinVar's aggregate classification.

NM_207361.6(FREM2):c.576G>A (p.Glu192=)

Gene: FREM2 (FRAS1 related extracellular matrix 2; plus strand). Cytogenetic location: 13q13.3.
Variant type: single nucleotide variant.
Coding change: c.576G>A on transcript NM_207361.6 (MANE Select); coding-DNA position 576, G replaced by A.
Protein change: p.Glu192=; no amino-acid change (glutamic acid 192 retained).
Molecular consequence: synonymous variant.
Genome position (GRCh38, 1-based): chr13:38,687,920, G>A. VCF-style: chr13-38687920-G-A. GRCh37 (hg19) VCF-style: chr13-39262057-G-A.
Other names: p.Glu192=.
Identifiers: ClinVar variation 263299 (VCV000263299.19), dbSNP rs1868464, ClinGen allele CA6954237.